The following is an entry in ClinVar:

ClinVar aggregate classification (germline): Likely pathogenic. Review status: criteria provided, multiple submitters, no conflicts (2 of 4 stars). 2 submissions from 2 submitters: Likely pathogenic (2). Last evaluated 2025-03-19.

Conditions:
IFT172-related disorder. Also called: IFT172-related condition; IFT172-related disorders.

gnomAD v4.1: 33 of 1,587,768 alleles (0.0021%); highest among the groups gnomAD compares: African/African-American, 0.004%; no homozygotes.

Submissions (2):

PreventionGenetics, part of Exact Sciences
Classification: Likely pathogenic for IFT172-related condition. Last evaluated: 2025-03-19. Review status: criteria provided, single submitter. Criteria: ACMG Guidelines, 2015. Collection method: clinical testing. Allele origin: germline.
Comment: The IFT172 c.483-2A>G variant is predicted to disrupt the AG splice acceptor site and interfere with normal splicing. To our knowledge, this variant has not been reported in individuals with IFT172-related disease. This variant is reported in 0.0080% of alleles in individuals of African descent in gnomAD. Variants that disrupt the consensus splice acceptor site in IFT172 are expected to be pathogenic. This variant is interpreted as likely pathogenic.

Blueprint Genetics
Classification: Likely pathogenic for IFT172-related disorders. Last evaluated: 2022-10-07. Review status: criteria provided, single submitter. Criteria: ACMG Guidelines, 2015. Collection method: clinical testing. Allele origin: germline. Affected: yes. Observed: 3 variant alleles.

NM_015662.3(IFT172):c.483-2A>G

Gene: IFT172 (intraflagellar transport 172; minus strand). Cytogenetic location: 2p23.3.
Variant type: single nucleotide variant.
Coding change: c.483-2A>G on transcript NM_015662.3 (MANE Select); the canonical splice acceptor site of the intron before coding-DNA position 483, A replaced by G.
Molecular consequence: splice acceptor variant.
Genome position (GRCh38, 1-based): chr2:27,483,378, T>C on the plus strand (A>G on the coding strand, the complement: IFT172 is on the minus strand). VCF-style: chr2-27483378-T-C. GRCh37 (hg19) VCF-style: chr2-27706245-T-C.
Other names: c.483-2A>G (NM_001410739.1, NM_015662.2).
Identifiers: ClinVar variation 4954374 (VCV004954374.2).